The following is an entry in ClinVar:

NM_001278064.2(GRM1):c.2793G>A (p.Lys931=)

Gene: GRM1 (glutamate metabotropic receptor 1; plus strand). Cytogenetic location: 6q24.3.
Variant type: single nucleotide variant.
Coding change: c.2793G>A on transcript NM_001278064.2 (MANE Select); coding-DNA position 2793, G replaced by A.
Protein change: p.Lys931=; no amino-acid change (lysine 931 retained).
Molecular consequence: synonymous variant. On other transcripts: 3 prime UTR variant (3).
Genome position (GRCh38, 1-based): chr6:146,434,004, G>A. VCF-style: chr6-146434004-G-A. GRCh37 (hg19) VCF-style: chr6-146755140-G-A.
Other names: p.Lys931=; c.*157G>A (NM_001278065.2); c.*122G>A (NM_001278066.1); c.*31G>A (NM_001278067.1).
Identifiers: ClinVar variation 129209 (VCV000129209.17), dbSNP rs2942, ClinGen allele CA153054.

ClinVar aggregate classification (germline): Benign. Review status: criteria provided, multiple submitters, no conflicts (2 of 4 stars). 10 submissions from 9 submitters: Benign (7). 3 of the submissions do not count toward it. Last evaluated 2026-02-03.

Conditions:
Spinocerebellar ataxia 44. Identifiers: Orphanet 631095, MedGen C4521563, MONDO:0033479, OMIM 617691.
Autosomal recessive spinocerebellar ataxia 13. Identifiers: Orphanet 324262, MedGen C3553816, MONDO:0013905, OMIM 614831.

Allele frequency attached by ClinVar (database versions not stated): gnomAD 0.49950 and 0.50415; TOPMed 0.49981; gnomAD exomes 0.50362 and 0.51895; ExAC 0.50897; ESP Exome Variant Server 0.51868; 1000 Genomes Project 30x 0.53014; 1000 Genomes Project 0.53454.
gnomAD v4.1: 835,450 of 1,613,152 alleles (52%); highest among the groups gnomAD compares: South Asian, 60%; 218,066 homozygotes.

Submissions (10):

Labcorp Genetics (formerly Invitae), Labcorp
Classification: Benign. Last evaluated: 2026-02-03. Review status: criteria provided, single submitter. Criteria: Invitae Variant Classification Sherloc (09022015). Collection method: clinical testing. Allele origin: germline.

Blueprint Genetics
Classification: Benign. Last evaluated: 2024-11-27. Review status: criteria provided, single submitter. Criteria: ACMG Guidelines, 2015. Collection method: clinical testing. Allele origin: germline.

Mayo Clinic Laboratories, Mayo Clinic
Classification: Benign. Last evaluated: 2022-03-24. Review status: criteria provided, single submitter. Criteria: ACMG Guidelines, 2015. Collection method: clinical testing. Allele origin: germline. Observed: 372 variant alleles.

Genome-Nilou Lab
Classification: Benign for Spinocerebellar ataxia 44. Last evaluated: 2021-08-10. Review status: criteria provided, single submitter. Criteria: ACMG Guidelines, 2015. Collection method: clinical testing. Allele origin: germline. Affected: no.

Genome-Nilou Lab
Classification: Benign for Autosomal recessive spinocerebellar ataxia 13. Last evaluated: 2021-08-10. Review status: criteria provided, single submitter. Criteria: ACMG Guidelines, 2015. Collection method: clinical testing. Allele origin: germline. Affected: no.

GeneDx
Classification: Benign. Last evaluated: 2019-09-25. Review status: criteria provided, single submitter. Criteria: GeneDx Variant Classification Process June 2021. Collection method: clinical testing. Allele origin: germline. Affected: yes.

Athena Diagnostics
Classification: Benign. Last evaluated: 2019-07-15. Review status: criteria provided, single submitter. Criteria: Athena Diagnostics Criteria. Collection method: clinical testing. Allele origin: germline.

Clinical Genetics DNA and cytogenetics Diagnostics Lab, Erasmus MC, Erasmus Medical Center
Classification: Benign. Review status: no assertion criteria provided. Collection method: clinical testing. Allele origin: germline. Affected: yes. Study: VKGL Data-share Consensus. Not counted in ClinVar's aggregate classification.

Diagnostic Laboratory, Department of Genetics, University Medical Center Groningen
Classification: Benign for Autosomal recessive spinocerebellar ataxia 13. Review status: no assertion criteria provided. Collection method: clinical testing. Allele origin: germline. Affected: yes. Study: VKGL Data-share Consensus. Not counted in ClinVar's aggregate classification.

Genetic Services Laboratory, University of Chicago
Classification: Likely benign for AllHighlyPenetrant. Review status: no assertion criteria provided. Collection method: clinical testing. Allele origin: germline. Inheritance: Autosomal recessive inheritance. Not counted in ClinVar's aggregate classification.
Comment: Likely benign based on allele frequency in 1000 Genomes Project or ESP global frequency and its presence in a patient with a rare or unrelated disease phenotype. NOT Sanger confirmed.